The following is an entry in ClinVar:

ClinVar aggregate classification (germline): Pathogenic (1 of 4 stars; one submission).

Conditions:
Intellectual developmental disorder, X-linked 1. Also called: Atkin Flaitz Patil Smith syndrome; Intellectual disability, X-linked 1; MENTAL RETARDATION, X-LINKED 18; MENTAL RETARDATION, X-LINKED 78. Identifiers: Orphanet 777, MedGen C2931498, MONDO:0010656, OMIM 309530.

Submission:

Labcorp Genetics (formerly Invitae), Labcorp
Classification: Pathogenic for Intellectual developmental disorder, X-linked 1. Last evaluated: 2025-11-28. Review status: criteria provided, single submitter. Criteria: Invitae Variant Classification Sherloc (09022015). Collection method: clinical testing. Allele origin: germline.
Comment: This sequence change is expected to alter the c-terminus of the IQSEC2 protein (p.Pro1445Leufs*50). While this is not anticipated to result in nonsense mediated decay, it is expected to disrupt the last 44 amino acid(s) of the IQSEC2 protein and extend the protein by 5 additional amino acid residues. The frequency data for this variant in the population databases is considered unreliable, as metrics indicate insufficient coverage at this position in the gnomAD database. This variant has not been reported in the literature in individuals affected with IQSEC2-related conditions. ClinVar contains an entry for this variant (Variation ID: 1408417). This variant results in an extension of the IQSEC2 protein. Other variant(s) that result in a similarly extended protein product (p.Lys1480Argfs*17) have been determined to be pathogenic (internal data). This suggests that these extensions are likely to be disease-causing. For these reasons, this variant has been classified as Pathogenic.

NM_001111125.3(IQSEC2):c.4334del (p.Pro1445fs)

Gene: IQSEC2 (IQ motif and Sec7 domain ArfGEF 2; minus strand). Cytogenetic location: Xp11.22.
Variant type: Deletion.
Coding change: c.4334del on transcript NM_001111125.3 (MANE Select); coding-DNA position 4334, one base deleted (C; older notation c.4334delC).
Protein change: p.Pro1445fs; shifts the reading frame from proline 1445.
Molecular consequence: frameshift variant. On other transcripts: 3 prime UTR variant (1).
Genome position (GRCh38, 1-based): chrX:53,234,352, G deleted on the plus strand (C on the coding strand, the reverse complement: IQSEC2 is on the minus strand); the first of 4 consecutive G bases (chrX:53,234,352-53,234,355); deleting any one gives the same sequence. VCF-style (leftmost placement, unchanged base first): chrX-53234351-AG-A. GRCh37 (hg19) VCF-style: chrX-53263533-AG-A.
Other names: c.*819del (NM_015075.2); short protein forms P1445fs.
Identifiers: ClinVar variation 1408417 (VCV001408417.6), dbSNP rs2147000428, ClinGen allele CA2573158973.